The following is an entry in ClinVar:

NM_002691.4(POLD1):c.160G>A (p.Glu54Lys)

Gene: POLD1 (DNA polymerase delta 1, catalytic subunit; plus strand). Cytogenetic location: 19q13.33.
Variant type: single nucleotide variant.
Coding change: c.160G>A on transcript NM_002691.4 (MANE Select); coding-DNA position 160, G replaced by A.
Protein change: p.Glu54Lys; replaces glutamic acid 54 with lysine.
Molecular consequence: missense variant. On other transcripts: non-coding transcript variant (1).
Genome position (GRCh38, 1-based): chr19:50,399,011, G>A. VCF-style: chr19-50399011-G-A. GRCh37 (hg19) VCF-style: chr19-50902268-G-A.
Other names: c.160G>A, p.Glu54Lys (NM_001256849.1, NM_001308632.1); c.160G>A (NM_002691.2); short protein forms E54K.
Identifiers: ClinVar variation 940275 (VCV000940275.16), dbSNP rs1368414810, ClinGen allele CA406970275.

ClinVar aggregate classification (germline): Conflicting classifications of pathogenicity. Review status: criteria provided, conflicting classifications (1 of 4 stars). 3 submissions from 3 submitters: Uncertain significance (2); Likely benign (1). Last evaluated 2025-03-19.

Conditions:
Hereditary cancer-predisposing syndrome. Also called: Hereditary neoplastic syndrome; Tumor predisposition; Neoplastic Syndromes, Hereditary; Hereditary Cancer Syndrome. Identifiers: Orphanet 140162, MedGen C0027672, MeSH D009386, MONDO:0015356.
POLD1-related polyposis and colorectal cancer syndrome (CRCS10). Also called: Colorectal cancer 10; COLORECTAL CANCER, SUSCEPTIBILITY TO, ON CHROMOSOME 19q; Colorectal cancer, susceptibility to, 10. Identifiers: Orphanet 220460, MedGen C2675481, MONDO:0012953, OMIM 612591.

Allele frequency attached by ClinVar (database versions not stated): gnomAD 0.00004; gnomAD exomes 0.00004.

Submissions (3):

Ambry Genetics
Classification: Likely benign for Hereditary cancer-predisposing syndrome. Last evaluated: 2025-03-19. Review status: criteria provided, single submitter. Criteria: Ambry Variant Classification Scheme 2023. Collection method: clinical testing. Allele origin: germline.

Center for Genomic Medicine, Rigshospitalet, Copenhagen University Hospital
Classification: Uncertain significance. Last evaluated: 2025-03-04. Review status: criteria provided, single submitter. Criteria: ACMG Guidelines, 2015. Collection method: clinical testing. Allele origin: germline.

Labcorp Genetics (formerly Invitae), Labcorp
Classification: Uncertain significance for POLD1-related polyposis and colorectal cancer syndrome. Last evaluated: 2022-04-25. Review status: criteria provided, single submitter. Criteria: Invitae Variant Classification Sherloc (09022015). Collection method: clinical testing. Allele origin: germline.
Comment: Algorithms developed to predict the effect of missense changes on protein structure and function are either unavailable or do not agree on the potential impact of this missense change (SIFT: "Tolerated"; PolyPhen-2: "Possibly Damaging"; Align-GVGD: "Class C0"). In summary, the available evidence is currently insufficient to determine the role of this variant in disease. Therefore, it has been classified as a Variant of Uncertain Significance. ClinVar contains an entry for this variant (Variation ID: 940275). This variant has not been reported in the literature in individuals affected with POLD1-related conditions. This variant is present in population databases (no rsID available, gnomAD 0.04%). This sequence change replaces glutamic acid, which is acidic and polar, with lysine, which is basic and polar, at codon 54 of the POLD1 protein (p.Glu54Lys).